The following is an entry in ClinVar:

ClinVar aggregate classification (germline): Uncertain significance (1 of 4 stars; one submission).

Allele frequency attached by ClinVar (database versions not stated): gnomAD exomes 0.00001; TOPMed 0.00001; ExAC 0.00002.
gnomAD v4.1: 16 of 1,613,794 alleles (0.00099%); highest among the groups gnomAD compares: Non-Finnish European, 0.0014%; no homozygotes.

Submission:

Labcorp Genetics (formerly Invitae), Labcorp
Classification: Uncertain significance. Last evaluated: 2025-06-29. Review status: criteria provided, single submitter. Criteria: Invitae Variant Classification Sherloc (09022015). Collection method: clinical testing. Allele origin: germline.
Comment: This sequence change replaces lysine, which is basic and polar, with glutamic acid, which is acidic and polar, at codon 238 of the CLCN6 protein (p.Lys238Glu). This variant is present in population databases (rs771781698, gnomAD 0.002%). This variant has not been reported in the literature in individuals affected with CLCN6-related conditions. ClinVar contains an entry for this variant (Variation ID: 1505186). An algorithm developed to predict the effect of missense changes on protein structure and function (PolyPhen-2) suggests that this variant is likely to be disruptive. In summary, the available evidence is currently insufficient to determine the role of this variant in disease. Therefore, it has been classified as a Variant of Uncertain Significance.

NM_001286.5(CLCN6):c.712A>G (p.Lys238Glu)

Gene: CLCN6 (chloride voltage-gated channel 6; plus strand). Cytogenetic location: 1p36.22.
Variant type: single nucleotide variant.
Coding change: c.712A>G on transcript NM_001286.5 (MANE Select); coding-DNA position 712, A replaced by G.
Protein change: p.Lys238Glu; replaces lysine 238 with glutamic acid.
Molecular consequence: missense variant.
Genome position (GRCh38, 1-based): chr1:11,827,093, A>G. VCF-style: chr1-11827093-A-G. GRCh37 (hg19) VCF-style: chr1-11887150-A-G.
Other names: c.646A>G, p.Lys216Glu (NM_001256959.2); short protein forms K216E, K238E.
Identifiers: ClinVar variation 1505186 (VCV001505186.8), dbSNP rs771781698, ClinGen allele CA596218.